The following is an entry in ClinVar:

NM_003072.5(SMARCA4):c.2108C>T (p.Ala703Val)

Gene: SMARCA4 (SWI/SNF related BAF chromatin remodeling complex subunit ATPase 4; plus strand). Cytogenetic location: 19p13.2.
Variant type: single nucleotide variant.
Coding change: c.2108C>T on transcript NM_003072.5 (MANE Select); coding-DNA position 2108, C replaced by T.
Protein change: p.Ala703Val; replaces alanine 703 with valine.
Molecular consequence: missense variant. On other transcripts: non-coding transcript variant (1).
Genome position (GRCh38, 1-based): chr19:11,008,008, C>T. VCF-style: chr19-11008008-C-T. GRCh37 (hg19) VCF-style: chr19-11118684-C-T.
Other names: c.2108C>T, p.Ala703Val (NM_001128844.3, NM_001128845.2, NM_001128846.2 and 5 more transcripts); short protein forms A703V.
Identifiers: ClinVar variation 521990 (VCV000521990.18), dbSNP rs550731833, ClinGen allele CA9204006.
Genomic context (GRCh38, chr19:11,008,008, plus strand): 5'-CCGTGGAGGAGAAGAAGAAGATTCCAGATCCAGACAGCGATGACGTCTCTGAGGTGGACG[C>T]GCGGCACATCATTGAGTAAGGGGTCCCGACACAGGTTGTTCTGTGCCAGCTTCCTGTGAG-3'
Protein context (NP_003063.2, residues 693-713): PDSDDVSEVD[Ala703Val]RHIIENAKQD

ClinVar aggregate classification (germline): Uncertain significance. Review status: criteria provided, multiple submitters, no conflicts (2 of 4 stars). 4 submissions from 4 submitters: Uncertain significance (4). Last evaluated 2025-08-20.

Conditions:
SMARCA4-related disorder. Also called: SMARCA4-related condition.
Hereditary cancer-predisposing syndrome. Also called: Neoplastic Syndromes, Hereditary; Hereditary neoplastic syndrome; Tumor predisposition; Hereditary Cancer Syndrome. Identifiers: Orphanet 140162, MedGen C0027672, MeSH D009386, MONDO:0015356.
Intellectual disability, autosomal dominant 16 (CSS4). Also called: COFFIN-SIRIS SYNDROME 4. Identifiers: Orphanet 1465, MedGen C3553249, MONDO:0013821, OMIM 614609.
Rhabdoid tumor predisposition syndrome 2 (RTPS2). Identifiers: Orphanet 231108, Orphanet 69077, MedGen C2750074, MONDO:0013224, OMIM 613325.

Allele frequency attached by ClinVar (database versions not stated): gnomAD exomes below 0.00001; ExAC 0.00001; gnomAD 0.00001; 1000 Genomes Project 30x 0.00016; 1000 Genomes Project 0.00020.
gnomAD v4.1: 6 of 1,613,236 alleles (0.00037%); highest among the groups gnomAD compares: Non-Finnish European, 0.00051%; no homozygotes.

Submissions (4):

Labcorp Genetics (formerly Invitae), Labcorp
Classification: Uncertain significance for Rhabdoid tumor predisposition syndrome 2. Last evaluated: 2025-08-20. Review status: criteria provided, single submitter. Criteria: Invitae Variant Classification Sherloc (09022015). Collection method: clinical testing. Allele origin: germline.
Comment: This sequence change replaces alanine, which is neutral and non-polar, with valine, which is neutral and non-polar, at codon 703 of the SMARCA4 protein (p.Ala703Val). This variant is present in population databases (rs550731833, gnomAD 0.0009%). This missense change has been observed in individual(s) with neurodevelopmental disorders (PMID: 37500730). ClinVar contains an entry for this variant (Variation ID: 521990). Invitae Evidence Modeling of protein sequence and biophysical properties (such as structural, functional, and spatial information, amino acid conservation, physicochemical variation, residue mobility, and thermodynamic stability) indicates that this missense variant is not expected to disrupt SMARCA4 protein function with a negative predictive value of 95%. In summary, the available evidence is currently insufficient to determine the role of this variant in disease. Therefore, it has been classified as a Variant of Uncertain Significance.

Ambry Genetics
Classification: Uncertain significance for Hereditary cancer-predisposing syndrome. Last evaluated: 2024-02-08. Review status: criteria provided, single submitter. Criteria: Ambry Variant Classification Scheme 2023. Collection method: clinical testing. Allele origin: germline.
Comment: The p.A703V variant (also known as c.2108C>T), located in coding exon 13 of the SMARCA4 gene, results from a C to T substitution at nucleotide position 2108. The alanine at codon 703 is replaced by valine, an amino acid with similar properties. This amino acid position is well conserved in available vertebrate species. In addition, this alteration is predicted to be tolerated by in silico analysis. Missense and in-frame variants in SMARCA4 are known to cause neurodevelopmental disorders; however, such associations with rhabdoid tumor predisposition syndrome including small cell carcinoma of the ovary-hypercalcemic type (SCCOHT) are exceedingly rare (Kosho T et al. Am J Med Genet C Semin Med Genet. 2014 Sep;166C(3):262-75; Jelinic P et al. Nat Genet. 2014 May;46(5):424-6). Based on the supporting evidence, the association of this alteration with Coffin-Siris syndrome is unknown; however, the association of this alteration with rhabdoid tumor predisposition syndrome is unlikely.

PreventionGenetics, part of Exact Sciences
Classification: Uncertain significance for SMARCA4-related condition. Last evaluated: 2023-01-18. Review status: criteria provided, single submitter. Criteria: ACMG Guidelines, 2015. Collection method: clinical testing. Allele origin: germline.
Comment: The SMARCA4 c.2108C>T variant is predicted to result in the amino acid substitution p.Ala703Val. To our knowledge, this variant has not been reported in the literature or in a large population database, indicating this variant is rare. At this time, the clinical significance of this variant is uncertain due to the absence of conclusive functional and genetic evidence.

Genome-Nilou Lab
Classification: Uncertain significance for Intellectual disability, autosomal dominant 16. Last evaluated: 2021-07-15. Review status: criteria provided, single submitter. Criteria: ACMG Guidelines, 2015. Collection method: clinical testing. Allele origin: germline. Affected: no.

Literature cited by the submitters: PubMed 37500730 (cited by Labcorp Genetics (formerly Invitae), Labcorp).